The following is an entry in ClinVar:

ClinVar aggregate classification (germline): Uncertain significance (1 of 4 stars; one submission).

Conditions:
Diamond-Blackfan anemia. Also called: Blackfan Diamond syndrome; Aregenerative anemia chronic congenital; Red cell aplasia, pure hereditary; Congenital hypoplastic anemia; Aase syndrome. Identifiers: Orphanet 124, MedGen C1260899, MeSH D029503, MONDO:0015253, HP:0004810.

Submission:

Labcorp Genetics (formerly Invitae), Labcorp
Classification: Uncertain significance for Diamond-Blackfan anemia. Last evaluated: 2022-03-30. Review status: criteria provided, single submitter. Criteria: Invitae Variant Classification Sherloc (09022015). Collection method: clinical testing. Allele origin: germline.
Comment: In summary, the available evidence is currently insufficient to determine the role of this variant in disease. Therefore, it has been classified as a Variant of Uncertain Significance. Algorithms developed to predict the effect of missense changes on protein structure and function are either unavailable or do not agree on the potential impact of this missense change (SIFT: "Deleterious"; PolyPhen-2: "Possibly Damaging"; Align-GVGD: "Class C15"). This variant has not been reported in the literature in individuals affected with RPL5-related conditions. This variant is not present in population databases (gnomAD no frequency). This sequence change replaces leucine, which is neutral and non-polar, with phenylalanine, which is neutral and non-polar, at codon 150 of the RPL5 protein (p.Leu150Phe).

NM_000969.5(RPL5):c.448C>T (p.Leu150Phe)

Genes: DIPK1A (divergent protein kinase domain 1A; minus strand), RPL5 (ribosomal protein L5; plus strand). Cytogenetic location: 1p22.1.
Variant type: single nucleotide variant.
Coding change: c.448C>T on transcript NM_000969.5 (MANE Select); coding-DNA position 448, C replaced by T.
Protein change: p.Leu150Phe; replaces leucine 150 with phenylalanine.
Molecular consequence: missense variant. On other transcripts: non-coding transcript variant (1), intron variant (1).
Genome position (GRCh38, 1-based): chr1:92,836,313, C>T. VCF-style: chr1-92836313-C-T. GRCh37 (hg19) VCF-style: chr1-93301870-C-T.
Other names: c.475-3279G>A (NM_001252273.2); short protein forms L150F.
Identifiers: ClinVar variation 2108586 (VCV002108586.4), dbSNP rs1687123032, ClinGen allele CA341242336.
Genomic context (GRCh38, chr1:92,836,313, plus strand): 5'-TACAATGTGGAAAGCATTGATGGTCAGCCAGGTGCCTTCACCTGCTATTTGGATGCAGGC[C>T]TTGCCAGAACTACCACTGGCAATAAAGTTTTTGGTGCCCTGAAGGGAGCTGTGGATGGAG-3'
Protein context (NP_000960.2, residues 140-160): GAFTCYLDAG[Leu150Phe]ARTTTGNKVF